The following is an entry in ClinVar:

NM_002691.4(POLD1):c.2779A>C (p.Ile927Leu)

Gene: POLD1 (DNA polymerase delta 1, catalytic subunit; plus strand). Cytogenetic location: 19q13.33.
Variant type: single nucleotide variant.
Coding change: c.2779A>C on transcript NM_002691.4 (MANE Select); coding-DNA position 2779, A replaced by C.
Protein change: p.Ile927Leu; replaces isoleucine 927 with leucine.
Molecular consequence: missense variant.
Genome position (GRCh38, 1-based): chr19:50,415,785, A>C. VCF-style: chr19-50415785-A-C. GRCh37 (hg19) VCF-style: chr19-50919042-A-C.
Other names: c.2779A>C, p.Ile927Leu (LRG_785t1, NM_001256849.1); c.2857A>C, p.Ile953Leu (LRG_785t2, NM_001308632.1); c.2779A>C (NM_002691.2); short protein forms I927L, I953L.
Identifiers: ClinVar variation 580365 (VCV000580365.12), dbSNP rs768642194, ClinGen allele CA9596656.

ClinVar aggregate classification (germline): Conflicting classifications of pathogenicity. Review status: criteria provided, conflicting classifications (1 of 4 stars). 2 submissions from 2 submitters: Uncertain significance (1); Likely benign (1). Last evaluated 2026-01-04.

Conditions:
POLD1-related polyposis and colorectal cancer syndrome (CRCS10). Also called: Colorectal cancer 10; COLORECTAL CANCER, SUSCEPTIBILITY TO, ON CHROMOSOME 19q; Colorectal cancer, susceptibility to, 10. Identifiers: Orphanet 220460, MedGen C2675481, MONDO:0012953, OMIM 612591.
Hereditary cancer-predisposing syndrome. Also called: Tumor predisposition; Neoplastic Syndromes, Hereditary; Hereditary Cancer Syndrome; Hereditary neoplastic syndrome. Identifiers: Orphanet 140162, MedGen C0027672, MeSH D009386, MONDO:0015356.

Allele frequency attached by ClinVar (database versions not stated): TOPMed below 0.00001; gnomAD exomes 0.00001 and 0.00002; ExAC 0.00005.
gnomAD v4.1: 12 of 1,569,190 alleles (0.00076%); highest among the groups gnomAD compares: Non-Finnish European, 0.0006%; no homozygotes.

Submissions (2):

Labcorp Genetics (formerly Invitae), Labcorp
Classification: Uncertain significance for POLD1-related polyposis and colorectal cancer syndrome. Last evaluated: 2026-01-04. Review status: criteria provided, single submitter. Criteria: Invitae Variant Classification Sherloc (09022015). Collection method: clinical testing. Allele origin: germline.
Comment: This sequence change replaces isoleucine, which is neutral and non-polar, with leucine, which is neutral and non-polar, at codon 927 of the POLD1 protein (p.Ile927Leu). This variant is present in population databases (rs768642194, gnomAD 0.003%). This variant has not been reported in the literature in individuals affected with POLD1-related conditions. ClinVar contains an entry for this variant (Variation ID: 580365). Invitae Evidence Modeling of protein sequence and biophysical properties (such as structural, functional, and spatial information, amino acid conservation, physicochemical variation, residue mobility, and thermodynamic stability) indicates that this missense variant is not expected to disrupt POLD1 protein function with a negative predictive value of 80%. In summary, the available evidence is currently insufficient to determine the role of this variant in disease. Therefore, it has been classified as a Variant of Uncertain Significance.

Ambry Genetics
Classification: Likely benign for Hereditary cancer-predisposing syndrome. Last evaluated: 2025-04-03. Review status: criteria provided, single submitter. Criteria: Ambry Variant Classification Scheme 2023. Collection method: clinical testing. Allele origin: germline.